The following is an entry in ClinVar:

ClinVar aggregate classification (germline): Uncertain significance (1 of 4 stars; one submission).

Allele frequency attached by ClinVar (database versions not stated): gnomAD exomes below 0.00001 and 0.00001; ExAC 0.00002; gnomAD 0.00003 and 0.00004; TOPMed 0.00003; ESP Exome Variant Server 0.00008.
gnomAD v4.1: 7 of 1,611,894 alleles (0.00043%); highest among the groups gnomAD compares: African/African-American, 0.008%; no homozygotes.

Submission:

Labcorp Genetics (formerly Invitae), Labcorp
Classification: Uncertain significance. Last evaluated: 2022-07-27. Review status: criteria provided, single submitter. Criteria: Invitae Variant Classification Sherloc (09022015). Collection method: clinical testing. Allele origin: germline.
Comment: This sequence change replaces isoleucine, which is neutral and non-polar, with methionine, which is neutral and non-polar, at codon 549 of the GNPAT protein (p.Ile549Met). This variant is present in population databases (rs140540032, gnomAD 0.01%). This variant has not been reported in the literature in individuals affected with GNPAT-related conditions. ClinVar contains an entry for this variant (Variation ID: 1425474). Algorithms developed to predict the effect of missense changes on protein structure and function output the following: SIFT: "Tolerated"; PolyPhen-2: "Benign"; Align-GVGD: "Class C0". The methionine amino acid residue is found in multiple mammalian species, which suggests that this missense change does not adversely affect protein function. In summary, the available evidence is currently insufficient to determine the role of this variant in disease. Therefore, it has been classified as a Variant of Uncertain Significance.

NM_014236.4(GNPAT):c.1647A>G (p.Ile549Met)

Gene: GNPAT (glyceronephosphate O-acyltransferase; plus strand). Cytogenetic location: 1q42.2.
Variant type: single nucleotide variant.
Coding change: c.1647A>G on transcript NM_014236.4 (MANE Select); coding-DNA position 1647, A replaced by G.
Protein change: p.Ile549Met; replaces isoleucine 549 with methionine.
Molecular consequence: missense variant.
Genome position (GRCh38, 1-based): chr1:231,273,966, A>G. VCF-style: chr1-231273966-A-G. GRCh37 (hg19) VCF-style: chr1-231409712-A-G.
Other names: c.1464A>G, p.Ile488Met (NM_001316350.2); short protein forms I488M, I549M.
Identifiers: ClinVar variation 1425474 (VCV001425474.8), dbSNP rs140540032, ClinGen allele CA1452082.